The following is an entry in ClinVar:

NM_006662.3(SRCAP):c.2816A>G (p.Gln939Arg)

Gene: SRCAP (Snf2 related CREBBP activator protein; plus strand). Cytogenetic location: 16p11.2.
Variant type: single nucleotide variant.
Coding change: c.2816A>G on transcript NM_006662.3 (MANE Select); coding-DNA position 2816, A replaced by G.
Protein change: p.Gln939Arg; replaces glutamine 939 with arginine.
Molecular consequence: missense variant.
Genome position (GRCh38, 1-based): chr16:30,716,478, A>G. VCF-style: chr16-30716478-A-G. GRCh37 (hg19) VCF-style: chr16-30727799-A-G.
Other names: short protein forms Q939R.
Identifiers: ClinVar variation 1683642 (VCV001683642.2), dbSNP rs1025929747, ClinGen allele CA280508783.
Genomic context (GRCh38, chr16:30,716,478, plus strand): 5'-CAGGCATCTGCTTCAGCACCGCCTCTCTGGTGCTAAGGGCCACGGATGTCCATCCCCTCC[A>G]GGTAAGTATGATTCCATTAATATGAAATGTAAAGGTTATCGGCATTACTCCAACCATGTA-3'
Protein context (NP_006653.2, residues 929-949): VLRATDVHPL[Gln939Arg]RIDMGRFDLI

ClinVar aggregate classification (germline): Uncertain significance (1 of 4 stars; one submission).

Conditions:
Floating-Harbor syndrome (FLHS). Also called: SRCAP-Related Floating-Harbor Syndrome; Short stature with delayed bone age, expressive language delay, a triangular face with a prominent nose and deep-set eyes; Pelletier-Leisti syndrome. Identifiers: Orphanet 2044, MedGen C0729582, MONDO:0007621, OMIM 136140.

Allele frequency attached by ClinVar (database versions not stated): TOPMed below 0.00001.

Submission:

Laboratorio de Genetica e Diagnostico Molecular, Hospital Israelita Albert Einstein
Classification: Uncertain significance for Floating-Harbor syndrome. Last evaluated: 2021-07-22. Review status: criteria provided, single submitter. Criteria: ACMG Guidelines, 2015. Collection method: clinical testing. Allele origin: germline. Affected: yes.
Comment: ACMG classification criteria: PM2 moderate, BP4 supporting